The following is an entry in ClinVar:

ClinVar aggregate classification (germline): Uncertain significance. Review status: criteria provided, multiple submitters, no conflicts (2 of 4 stars). 2 submissions from 2 submitters: Uncertain significance (2). Last evaluated 2024-09-12.

Conditions:
Familial hypocalciuric hypercalcemia (FHH). Also called: Familial benign hypercalcemia. Identifiers: Orphanet 405, MedGen C1809471, MONDO:0018458.
Autosomal dominant hypocalcemia 1 (HYPOC1). Also called: HYPOCALCEMIA, FAMILIAL. Identifiers: MedGen C3715128, MONDO:0011013, OMIM 601198.
Nephrolithiasis/nephrocalcinosis. Identifiers: MedGen CN580796.

Allele frequency attached by ClinVar (database versions not stated): gnomAD exomes below 0.00001; ExAC 0.00002.
gnomAD v4.1: 2 of 1,614,234 alleles (0.00012%); highest among the groups gnomAD compares: Non-Finnish European, 0.000085%; no homozygotes.

Submissions (2):

Labcorp Genetics (formerly Invitae), Labcorp
Classification: Uncertain significance for Familial hypocalciuric hypercalcemia; Autosomal dominant hypocalcemia 1. Last evaluated: 2024-09-12. Review status: criteria provided, single submitter. Criteria: Invitae Variant Classification Sherloc (09022015). Collection method: clinical testing. Allele origin: germline.
Comment: This sequence change replaces serine, which is neutral and polar, with threonine, which is neutral and polar, at codon 240 of the CASR protein (p.Ser240Thr). This variant is present in population databases (rs757775389, gnomAD 0.002%). This variant has not been reported in the literature in individuals affected with CASR-related conditions. An algorithm developed to predict the effect of missense changes on protein structure and function (PolyPhen-2) suggests that this variant is likely to be tolerated. In summary, the available evidence is currently insufficient to determine the role of this variant in disease. Therefore, it has been classified as a Variant of Uncertain Significance.

Ambry Genetics
Classification: Uncertain significance for Nephrolithiasis/nephrocalcinosis. Last evaluated: 2023-07-29. Review status: criteria provided, single submitter. Criteria: Ambry Variant Classification Scheme 2023. Collection method: clinical testing. Allele origin: germline.
Comment: The p.S240T variant (also known as c.719G>C), located in coding exon 3 of the CASR gene, results from a G to C substitution at nucleotide position 719. The serine at codon 240 is replaced by threonine, an amino acid with similar properties. This amino acid position is conserved. In addition, the in silico prediction for this alteration is inconclusive. Since supporting evidence is limited at this time, the clinical significance of this alteration remains unclear.

NM_000388.4(CASR):c.719G>C (p.Ser240Thr)

Gene: CASR (calcium sensing receptor; plus strand). Cytogenetic location: 3q21.1.
Variant type: single nucleotide variant.
Coding change: c.719G>C on transcript NM_000388.4 (MANE Select); coding-DNA position 719, G replaced by C.
Protein change: p.Ser240Thr; replaces serine 240 with threonine.
Molecular consequence: missense variant.
Genome position (GRCh38, 1-based): chr3:122,261,754, G>C. VCF-style: chr3-122261754-G-C. GRCh37 (hg19) VCF-style: chr3-121980601-G-C.
Other names: c.719G>C, p.Ser240Thr (NM_001178065.2); short protein forms S240T.
Identifiers: ClinVar variation 3231586 (VCV003231586.3), dbSNP rs757775389, ClinGen allele CA2569526.
Genomic context (GRCh38, chr3:122,261,754, plus strand): 5'-GGCCGGGGATTGAGAAATTCCGAGAGGAAGCTGAGGAAAGGGATATCTGCATCGACTTCA[G>C]TGAACTCATCTCCCAGTACTCTGATGAGGAAGAGATCCAGCATGTGGTAGAGGTGATTCA-3'
Protein context (NP_000379.3, residues 230-250): AEERDICIDF[Ser240Thr]ELISQYSDEE